The following is an entry in ClinVar:

ClinVar aggregate classification (germline): Uncertain significance (1 of 4 stars; one submission).

Conditions:
Cardiovascular phenotype. Identifiers: MedGen CN230736.

Submission:

Ambry Genetics
Classification: Uncertain significance for Cardiovascular phenotype. Last evaluated: 2023-12-25. Review status: criteria provided, single submitter. Criteria: Ambry Variant Classification Scheme 2023. Collection method: clinical testing. Allele origin: germline.
Comment: The p.Q53H variant (also known as c.159G>T), located in coding exon 2 of the TBX20 gene, results from a G to T substitution at nucleotide position 159. The glutamine at codon 53 is replaced by histidine, an amino acid with highly similar properties. This amino acid position is conserved. In addition, the in silico prediction for this alteration is inconclusive. Since supporting evidence is limited at this time, the clinical significance of this alteration remains unclear.

NM_001077653.2(TBX20):c.159G>T (p.Gln53His)

Gene: TBX20 (T-box transcription factor 20; minus strand). Cytogenetic location: 7p14.2.
Variant type: single nucleotide variant.
Coding change: c.159G>T on transcript NM_001077653.2 (MANE Select); coding-DNA position 159, G replaced by T.
Protein change: p.Gln53His; replaces glutamine 53 with histidine.
Molecular consequence: missense variant.
Genome position (GRCh38, 1-based): chr7:35,250,172, C>A on the plus strand (G>T on the coding strand, the complement: TBX20 is on the minus strand). VCF-style: chr7-35250172-C-A. GRCh37 (hg19) VCF-style: chr7-35289784-C-A.
Other names: c.159G>T, p.Gln53His (NM_001166220.1); short protein forms Q53H.
Identifiers: ClinVar variation 3232610 (VCV003232610.1), dbSNP rs2546997521, ClinGen allele CA367265362.
Genomic context (GRCh38, chr7:35,250,172, plus strand): 5'-GCTGCCACTGCCTCCACCAAACTCCCCATGAGCATCCAGGCTGGTCAGCTCACCCAGGGG[C>A]TGGGCACAGGACGACTTCTCCACAAATTGCTCTGGAGGTAAAGAGAATTGTGAATGACAG-3'
Protein context (NP_001071121.1, residues 43-63): EQFVEKSSCA[Gln53His]PLGELTSLDA